The following is an entry in ClinVar:

NM_000057.4(BLM):c.686A>G (p.Glu229Gly)

Gene: BLM (BLM RecQ like helicase; plus strand). Cytogenetic location: 15q26.1.
Variant type: single nucleotide variant.
Coding change: c.686A>G on transcript NM_000057.4 (MANE Select); coding-DNA position 686, A replaced by G.
Protein change: p.Glu229Gly; replaces glutamic acid 229 with glycine.
Molecular consequence: missense variant. On other transcripts: 5 prime UTR variant (1).
Genome position (GRCh38, 1-based): chr15:90,749,954, A>G. VCF-style: chr15-90749954-A-G. GRCh37 (hg19) VCF-style: chr15-91293184-A-G.
Other names: c.686A>G, p.Glu229Gly (NM_001287246.2, NM_001287247.2); c.-606A>G (NM_001287248.2); short protein forms E229G.
Identifiers: ClinVar variation 1755875 (VCV001755875.2), dbSNP rs2505394255, ClinGen allele CA393841337.

ClinVar aggregate classification (germline): Uncertain significance (1 of 4 stars; one submission).

Conditions:
Hereditary cancer-predisposing syndrome. Also called: Neoplastic Syndromes, Hereditary; Tumor predisposition; Hereditary Cancer Syndrome; Hereditary neoplastic syndrome. Identifiers: Orphanet 140162, MedGen C0027672, MeSH D009386, MONDO:0015356.

Submission:

Ambry Genetics
Classification: Uncertain significance for Hereditary cancer-predisposing syndrome. Last evaluated: 2022-07-10. Review status: criteria provided, single submitter. Criteria: Ambry Variant Classification Scheme 2023. Collection method: clinical testing. Allele origin: germline.
Comment: The p.E229G variant (also known as c.686A>G), located in coding exon 2 of the BLM gene, results from an A to G substitution at nucleotide position 686. The glutamic acid at codon 229 is replaced by glycine, an amino acid with similar properties. This amino acid position is conserved. In addition, this alteration is predicted to be tolerated by in silico analysis. Since supporting evidence is limited at this time, the clinical significance of this alteration remains unclear.